The following is an entry in ClinVar:

ClinVar aggregate classification (germline): Uncertain significance. Review status: criteria provided, multiple submitters, no conflicts (2 of 4 stars). 2 submissions from 2 submitters: Uncertain significance (2). Last evaluated 2025-10-01.

Allele frequency attached by ClinVar (database versions not stated): gnomAD 0.00003; TOPMed 0.00003.
gnomAD v4.1: 11 of 1,550,470 alleles (0.00071%); highest among the groups gnomAD compares: African/African-American, 0.0027%; no homozygotes.

Submissions (2):

Labcorp Genetics (formerly Invitae), Labcorp
Classification: Uncertain significance. Last evaluated: 2025-10-01. Review status: criteria provided, single submitter. Criteria: Invitae Variant Classification Sherloc (09022015). Collection method: clinical testing. Allele origin: germline.
Comment: This sequence change replaces serine, which is neutral and polar, with leucine, which is neutral and non-polar, at codon 267 of the OTOG protein (p.Ser267Leu). This variant is present in population databases (no rsID available, gnomAD 0.007%). This variant has not been reported in the literature in individuals affected with OTOG-related conditions. ClinVar contains an entry for this variant (Variation ID: 667298). An algorithm developed to predict the effect of missense changes on protein structure and function (PolyPhen-2) suggests that this variant is likely to be disruptive. In summary, the available evidence is currently insufficient to determine the role of this variant in disease. Therefore, it has been classified as a Variant of Uncertain Significance.

Laboratory for Molecular Medicine, Mass General Brigham Personalized Medicine
Classification: Uncertain significance. Last evaluated: 2019-01-16. Review status: criteria provided, single submitter. Criteria: LMM Criteria. Collection method: clinical testing. Allele origin: germline. Observed: 1 variant allele.
Comment: The p.Ser267Leu variant in OTOG has not been previously reported in individuals with hearing loss but has been identified in 0.006% (1/15428) of European chromo somes by gnomAD. Computational prediction too ls and conservation analysis do not provide strong support for or against an imp act to the protein. In summary, the clinical significance of this variant is unc ertain. ACMG/AMP Criteria applied: PM2.

NM_001292063.2(OTOG):c.764C>T (p.Ser255Leu)

Gene: OTOG (otogelin; plus strand). Cytogenetic location: 11p15.1.
Variant type: single nucleotide variant.
Coding change: c.764C>T on transcript NM_001292063.2 (MANE Select); coding-DNA position 764, C replaced by T.
Protein change: p.Ser255Leu; replaces serine 255 with leucine.
Molecular consequence: missense variant.
Genome position (GRCh38, 1-based): chr11:17,557,222, C>T. VCF-style: chr11-17557222-C-T. GRCh37 (hg19) VCF-style: chr11-17578769-C-T.
Other names: c.800C>T, p.Ser267Leu (NM_001277269.2); short protein forms S267L, S255L.
Identifiers: ClinVar variation 667298 (VCV000667298.5), dbSNP rs939158613, ClinGen allele CA218493865.